The following is an entry in ClinVar:

ClinVar aggregate classification (germline): Uncertain significance (1 of 4 stars; one submission).

Allele frequency attached by ClinVar (database versions not stated): gnomAD exomes below 0.00001; ExAC 0.00001; gnomAD 0.00001.
gnomAD v4.1: 4 of 1,613,496 alleles (0.00025%); highest among the groups gnomAD compares: East Asian, 0.0089%; no homozygotes.

Submission:

Labcorp Genetics (formerly Invitae), Labcorp
Classification: Uncertain significance. Last evaluated: 2022-08-08. Review status: criteria provided, single submitter. Criteria: Invitae Variant Classification Sherloc (09022015). Collection method: clinical testing. Allele origin: germline.
Comment: This sequence change replaces proline, which is neutral and non-polar, with serine, which is neutral and polar, at codon 833 of the PCARE protein (p.Pro833Ser). This variant is present in population databases (rs755794034, gnomAD 0.01%). In summary, the available evidence is currently insufficient to determine the role of this variant in disease. Therefore, it has been classified as a Variant of Uncertain Significance. Algorithms developed to predict the effect of missense changes on protein structure and function (SIFT, PolyPhen-2, Align-GVGD) all suggest that this variant is likely to be disruptive. This variant has not been reported in the literature in individuals affected with PCARE-related conditions.

NM_001029883.3(PCARE):c.2497C>T (p.Pro833Ser)

Gene: PCARE (photoreceptor cilium actin regulator; minus strand). Cytogenetic location: 2p23.2.
Variant type: single nucleotide variant.
Coding change: c.2497C>T on transcript NM_001029883.3 (MANE Select); coding-DNA position 2497, C replaced by T.
Protein change: p.Pro833Ser; replaces proline 833 with serine.
Molecular consequence: missense variant.
Genome position (GRCh38, 1-based): chr2:29,071,765, G>A on the plus strand (C>T on the coding strand, the complement: PCARE is on the minus strand). VCF-style: chr2-29071765-G-A. GRCh37 (hg19) VCF-style: chr2-29294631-G-A.
Other names: short protein forms P833S.
Identifiers: ClinVar variation 2022692 (VCV002022692.4), dbSNP rs755794034, ClinGen allele CA1592192.